The following is an entry in ClinVar:

ClinVar aggregate classification (germline): Likely benign (1 of 4 stars; one submission).

gnomAD v4.1: 9 of 1,614,056 alleles (0.00056%); highest among the groups gnomAD compares: Non-Finnish European, 0.00076%; no homozygotes.

Submission:

CeGaT Center for Human Genetics Tuebingen
Classification: Likely benign. Last evaluated: 2025-07-01. Review status: criteria provided, single submitter. Criteria: CeGaT Center For Human Genetics Tuebingen Variant Classification Criteria Version 2. Collection method: clinical testing. Allele origin: germline. Affected: yes. Observed: 1 variant allele.
Comment: DNMT1: BP4, BP7

NM_001130823.3(DNMT1):c.3405G>A (p.Lys1135=)

Gene: DNMT1 (DNA methyltransferase 1; minus strand). Cytogenetic location: 19p13.2.
Variant type: single nucleotide variant.
Coding change: c.3405G>A on transcript NM_001130823.3 (MANE Select); coding-DNA position 3405, G replaced by A.
Protein change: p.Lys1135=; no amino-acid change (lysine 1135 retained).
Molecular consequence: synonymous variant.
Genome position (GRCh38, 1-based): chr19:10,140,899, C>T on the plus strand (G>A on the coding strand, the complement: DNMT1 is on the minus strand). VCF-style: chr19-10140899-C-T. GRCh37 (hg19) VCF-style: chr19-10251575-C-T.
Other names: c.3357G>A, p.Lys1119= (NM_001318730.2, NM_001379.4); c.3042G>A, p.Lys1014= (NM_001318731.2).
Identifiers: ClinVar variation 4085585 (VCV004085585.8).